The following is an entry in ClinVar:

NM_000350.3(ABCA4):c.193G>A (p.Gly65Arg)

Gene: ABCA4 (ATP binding cassette subfamily A member 4; minus strand). Cytogenetic location: 1p22.1.
Variant type: single nucleotide variant.
Coding change: c.193G>A on transcript NM_000350.3 (MANE Select); coding-DNA position 193, G replaced by A.
Protein change: p.Gly65Arg; replaces glycine 65 with arginine.
Molecular consequence: missense variant.
Genome position (GRCh38, 1-based): chr1:94,111,547, C>T on the plus strand (G>A on the coding strand, the complement: ABCA4 is on the minus strand). VCF-style: chr1-94111547-C-T. GRCh37 (hg19) VCF-style: chr1-94577103-C-T.
Other names: c.193G>A, p.Gly65Arg (NM_001425324.1); short protein forms G65R.
Identifiers: ClinVar variation 938094 (VCV000938094.9), dbSNP rs1662604844, ClinGen allele CA341285577.

ClinVar aggregate classification (germline): Uncertain significance (1 of 4 stars; one submission).

Submission:

Labcorp Genetics (formerly Invitae), Labcorp
Classification: Uncertain significance. Last evaluated: 2019-07-25. Review status: criteria provided, single submitter. Criteria: Invitae Variant Classification Sherloc (09022015). Collection method: clinical testing. Allele origin: germline.
Comment: In summary, the available evidence is currently insufficient to determine the role of this variant in disease. Therefore, it has been classified as a Variant of Uncertain Significance. Algorithms developed to predict the effect of missense changes on protein structure and function (SIFT, PolyPhen-2, Align-GVGD) all suggest that this variant is likely to be disruptive, but these predictions have not been confirmed by published functional studies and their clinical significance is uncertain. This variant has not been reported in the literature in individuals with ABCA4-related conditions. This variant is not present in population databases (ExAC no frequency). This sequence change replaces glycine with arginine at codon 65 of the ABCA4 protein (p.Gly65Arg). The glycine residue is highly conserved and there is a moderate physicochemical difference between glycine and arginine.